The following is an entry in ClinVar:

NM_000052.7(ATP7A):c.2955A>G (p.Ile985Met)

Gene: ATP7A (ATPase copper transporting alpha; plus strand). Cytogenetic location: Xq21.1.
Variant type: single nucleotide variant.
Coding change: c.2955A>G on transcript NM_000052.7 (MANE Select); coding-DNA position 2955, A replaced by G.
Protein change: p.Ile985Met; replaces isoleucine 985 with methionine.
Molecular consequence: missense variant.
Genome position (GRCh38, 1-based): chrX:78,029,288, A>G. VCF-style: chrX-78029288-A-G. GRCh37 (hg19) VCF-style: chrX-77284785-A-G.
Other names: c.2721A>G, p.Ile907Met (NM_001282224.2); c.2955A>G (NM_000052.6); short protein forms I907M, I985M.
Identifiers: ClinVar variation 3903033 (VCV003903033.2).

ClinVar aggregate classification (germline): Uncertain significance. Review status: criteria provided, single submitter (1 of 4 stars). 2 submissions from 2 submitters: Uncertain significance (1). 1 of the submissions does not count toward it. Last evaluated 2024-12-12.

Conditions:
Menkes kinky-hair syndrome (MNK). Also called: Copper transport disease; Menkes Disease; Classic Menkes Disease. Identifiers: Orphanet 565, MedGen C0022716, MONDO:0010651, OMIM 309400.

Submissions (2):

GeneDx
Classification: Uncertain significance. Last evaluated: 2024-12-12. Review status: criteria provided, single submitter. Criteria: GeneDx Variant Classification Process June 2021. Collection method: clinical testing. Allele origin: germline. Affected: yes.
Comment: Not observed at significant frequency in large population cohorts (gnomAD); In silico analysis indicates that this missense variant does not alter protein structure/function; Has not been previously published as pathogenic or benign to our knowledge

Natera, Inc.
Classification: Uncertain significance for Menkes kinky hair syndrome. Last evaluated: 2025-05-20. Review status: no assertion criteria provided. Collection method: clinical testing. Allele origin: germline. Not counted in ClinVar's aggregate classification.